The following is an entry in ClinVar:

NM_000516.7(GNAS):c.304G>A (p.Ala102Thr)

Gene: GNAS (GNAS complex locus; plus strand). Cytogenetic location: 20q13.32.
Variant type: single nucleotide variant.
Coding change: c.304G>A on transcript NM_000516.7 (MANE Select); coding-DNA position 304, G replaced by A.
Protein change: p.Ala102Thr; replaces alanine 102 with threonine.
Molecular consequence: missense variant. On other transcripts: 3 prime UTR variant (2).
Genome position (GRCh38, 1-based): chr20:58,903,577, G>A. VCF-style: chr20-58903577-G-A. GRCh37 (hg19) VCF-style: chr20-57478632-G-A.
Other names: c.307G>A, p.Ala103Thr (NM_001077488.5); c.259G>A, p.Ala87Thr (NM_001077489.4); c.*165G>A (NM_001077490.3); c.127G>A, p.Ala43Thr (NM_001309840.2, NM_001309861.2); c.*210G>A (NM_016592.5); c.2233G>A, p.Ala745Thr (NM_080425.4); c.262G>A, p.Ala88Thr (NM_080426.4); short protein forms A102T, A103T, A43T, A745T, A87T, A88T.
Identifiers: ClinVar variation 1204234 (VCV001204234.14), dbSNP rs2146178601, ClinGen allele CA409450320.

ClinVar aggregate classification (germline): Pathogenic/Likely pathogenic. Review status: criteria provided, multiple submitters, no conflicts (2 of 4 stars). 3 submissions from 3 submitters: Pathogenic (1); Likely pathogenic (2). Last evaluated 2024-12-19.

Submissions (3):

Labcorp Genetics (formerly Invitae), Labcorp
Classification: Likely pathogenic. Last evaluated: 2024-12-19. Review status: criteria provided, single submitter. Criteria: Invitae Variant Classification Sherloc (09022015). Collection method: clinical testing. Allele origin: germline.
Comment: This sequence change replaces alanine, which is neutral and non-polar, with threonine, which is neutral and polar, at codon 102 of the GNAS protein (p.Ala102Thr). This variant is not present in population databases (gnomAD no frequency). This missense change has been observed in individual(s) with clinical features of GNAS-related conditions (internal data). It has also been observed to segregate with disease in related individuals. ClinVar contains an entry for this variant (Variation ID: 1204234). Invitae Evidence Modeling of protein sequence and biophysical properties (such as structural, functional, and spatial information, amino acid conservation, physicochemical variation, residue mobility, and thermodynamic stability) indicates that this missense variant is expected to disrupt GNAS protein function with a positive predictive value of 80%. This variant disrupts the p.Ala102 amino acid residue in GNAS. Other variant(s) that disrupt this residue have been observed in individuals with GNAS-related conditions (PMID: 11600516; internal data), which suggests that this may be a clinically significant amino acid residue. In summary, the currently available evidence indicates that the variant is pathogenic, but additional data are needed to prove that conclusively. Therefore, this variant has been classified as Likely Pathogenic.

GeneDx
Classification: Pathogenic. Last evaluated: 2024-11-05. Review status: criteria provided, single submitter. Criteria: GeneDx Variant Classification Process June 2021. Collection method: clinical testing. Allele origin: germline. Affected: yes.
Comment: Not observed at significant frequency in large population cohorts (gnomAD); In silico analysis supports that this missense variant has a deleterious effect on protein structure/function; Has not been previously published as pathogenic or benign to our knowledge

Genetic Services Laboratory, University of Chicago
Classification: Likely pathogenic. Last evaluated: 2017-10-24. Review status: criteria provided, single submitter. Criteria: ACMG Guidelines, 2015. Collection method: clinical testing. Allele origin: germline. Affected: yes.

Literature cited by the submitters: PubMed 11600516 (cited by Labcorp Genetics (formerly Invitae), Labcorp).